The following is an entry in ClinVar:

ClinVar aggregate classification (germline): Likely pathogenic (1 of 4 stars; one submission).

Conditions:
Primary ciliary dyskinesia. Also called: Ciliary dyskinesia. Identifiers: Orphanet 244, MedGen C0008780, MONDO:0016575, HP:0012265.

Submission:

Labcorp Genetics (formerly Invitae), Labcorp
Classification: Likely pathogenic for Primary ciliary dyskinesia. Last evaluated: 2023-04-22. Review status: criteria provided, single submitter. Criteria: Invitae Variant Classification Sherloc (09022015). Collection method: clinical testing. Allele origin: germline.
Comment: This variant results in the deletion of part of exon 9 of the DNAAF3 gene. It is expected to disrupt RNA splicing. Variants that disrupt the donor or acceptor splice site typically lead to a loss of protein function (PMID: 16199547), and loss-of-function variants in DNAAF3 are known to be pathogenic (PMID: 22387996). In summary, the currently available evidence indicates that the variant is pathogenic, but additional data are needed to prove that conclusively. Therefore, this variant has been classified as Likely Pathogenic. Algorithms developed to predict the effect of sequence changes on RNA splicing suggest that this variant may disrupt the consensus splice site. This variant has not been reported in the literature in individuals affected with DNAAF3-related conditions. This variant is present in population databases (no rsID available, gnomAD 0.01%).

Literature cited by the submitters: PubMed 16199547; PubMed 22387996.

NM_001256715.2(DNAAF3):c.1044_1048+13del

Genes: DNAAF3 (dynein axonemal assembly factor 3; minus strand), DNAAF3-AS1 (DNAAF3 antisense RNA 1; plus strand), LOC130065090 (ATAC-STARR-seq lymphoblastoid silent region 11016; plus strand). Cytogenetic location: 19q13.42.
Variant type: Deletion.
Coding change: c.1044_1048+13del on transcript NM_001256715.2 (MANE Select); coding-DNA position 1044 through 13 bases into the intron after coding-DNA position 1048, 18 bases deleted (TCCAGGTAAGCCAGGGAC).
Molecular consequence: splice donor variant.
Genome position (GRCh38, 1-based): chr19:55,160,627-55,160,644, GTCCCTGGCTTACCTGGA deleted on the plus strand (TCCAGGTAAGCCAGGGAC on the coding strand, the reverse complement: DNAAF3 is on the minus strand); deleting any 18 consecutive bases within chr19:55,160,627-55,160,654 gives the same sequence; the c. name uses the placement nearest the transcript's 3' end. VCF-style (leftmost placement, unchanged base first): chr19-55160626-TGTCCCTGGCTTACCTGGA-T. GRCh37 (hg19) VCF-style: chr19-55671994-TGTCCCTGGCTTACCTGGA-T.
Other names: c.1185_1189+13del (NM_178837.4); c.1248_1252+13del (NM_001256714.1); c.882_886+13del (NM_001256716.2).
Identifiers: ClinVar variation 2848964 (VCV002848964.3), dbSNP rs1215112070, ClinGen allele CA633906394.